The following is an entry in ClinVar:

ClinVar aggregate classification (germline): Uncertain significance (1 of 4 stars; one submission).

Conditions:
Hereditary breast ovarian cancer syndrome. Also called: Hereditary breast and ovarian cancer syndrome; Hereditary breast and ovarian cancer syndrome (HBOC); BRCA1- and BRCA2-Associated Hereditary Breast and Ovarian Cancer; Hereditary breast and ovarian cancer; Breast and ovarian cancer; Hereditary breast and/or ovarian cancer syndrome. Identifiers: Orphanet 145, MedGen C0677776, MeSH D061325, MONDO:0003582. Disease mechanism: loss of function.

Submission:

Labcorp Genetics (formerly Invitae), Labcorp
Classification: Uncertain significance for Hereditary breast ovarian cancer syndrome. Last evaluated: 2024-11-11. Review status: criteria provided, single submitter. Criteria: Invitae Variant Classification Sherloc (09022015). Collection method: clinical testing. Allele origin: germline.
Comment: This sequence change replaces aspartic acid, which is acidic and polar, with tyrosine, which is neutral and polar, at codon 2819 of the BRCA2 protein (p.Asp2819Tyr). This variant is not present in population databases (gnomAD no frequency). This variant has not been reported in the literature in individuals affected with BRCA2-related conditions. Invitae Evidence Modeling of protein sequence and biophysical properties (such as structural, functional, and spatial information, amino acid conservation, physicochemical variation, residue mobility, and thermodynamic stability) indicates that this missense variant is not expected to disrupt BRCA2 protein function with a negative predictive value of 95%. In summary, the available evidence is currently insufficient to determine the role of this variant in disease. Therefore, it has been classified as a Variant of Uncertain Significance.

NM_000059.4(BRCA2):c.8455G>T (p.Asp2819Tyr)

Gene: BRCA2 (BRCA2 DNA repair associated; plus strand). Cytogenetic location: 13q13.1.
Variant type: single nucleotide variant.
Coding change: c.8455G>T on transcript NM_000059.4 (MANE Select); coding-DNA position 8455, G replaced by T.
Protein change: p.Asp2819Tyr; replaces aspartic acid 2819 with tyrosine.
Molecular consequence: missense variant. On other transcripts: non-coding transcript variant (1).
Genome position (GRCh38, 1-based): chr13:32,370,525, G>T. VCF-style: chr13-32370525-G-T. GRCh37 (hg19) VCF-style: chr13-32944662-G-T.
Other names: c.8359G>T, p.Asp2787Tyr (NM_001406719.1); c.8455G>T, p.Asp2819Tyr (NM_001406720.1, NM_001432077.1); c.3523G>T, p.Asp1175Tyr (NM_001406721.1); c.2038G>T, p.Asp680Tyr (NM_001406722.1); short protein forms D680Y, D1175Y, D2787Y, D2819Y.
Identifiers: ClinVar variation 3636540 (VCV003636540.2).